The following is an entry in ClinVar:

NM_006225.4(PLCD1):c.1468C>T (p.Gln490Ter)

Gene: PLCD1 (phospholipase C delta 1; minus strand). Cytogenetic location: 3p22.2.
Variant type: single nucleotide variant.
Coding change: c.1468C>T on transcript NM_006225.4 (MANE Select); coding-DNA position 1468, C replaced by T.
Protein change: p.Gln490Ter; replaces glutamine 490 with a stop codon.
Molecular consequence: nonsense. On other transcripts: non-coding transcript variant (1).
Genome position (GRCh38, 1-based): chr3:38,009,410, G>A on the plus strand (C>T on the coding strand, the complement: PLCD1 is on the minus strand). VCF-style: chr3-38009410-G-A. GRCh37 (hg19) VCF-style: chr3-38050901-G-A.
Other names: c.1531C>T, p.Gln511Ter (NM_001130964.2); short protein forms Q511*, Q490*.
Identifiers: ClinVar variation 4997781 (VCV004997781.1).

ClinVar aggregate classification (germline): Likely pathogenic (1 of 4 stars; one submission).

Conditions:
PLCD1-related disorder. Also called: PLCD1-related condition.

gnomAD v4.1: 9 of 1,614,114 alleles (0.00056%); highest among the groups gnomAD compares: Middle Eastern, 0.016%; no homozygotes.

Submission:

PreventionGenetics, part of Exact Sciences
Classification: Likely pathogenic for PLCD1-related condition. Last evaluated: 2025-08-12. Review status: criteria provided, single submitter. Criteria: ACMG Guidelines, 2015. Collection method: clinical testing. Allele origin: germline.
Comment: The PLCD1 c.1531C>T variant is predicted to result in premature protein termination (p.Gln511*). To our knowledge, this variant has not been reported in the literature. This variant is reported in 0.0065% of alleles in individuals of European (Non-Finnish) descent in gnomAD. Nonsense variants in PLCD1 are expected to be pathogenic. This variant is interpreted as likely pathogenic.